The following is an entry in ClinVar:

ClinVar aggregate classification (germline): Likely pathogenic (1 of 4 stars; one submission).

Conditions:
Primary dilated cardiomyopathy (DCM). Also called: Dilated Cardiomyopathy. Identifiers: Orphanet 217604, MedGen C0007193, MeSH D002311, MONDO:0005021, HP:0001644. Inheritance: Various modes of inheritance.

Submission:

Laboratory for Molecular Medicine, Mass General Brigham Personalized Medicine
Classification: Likely pathogenic for Primary dilated cardiomyopathy. Last evaluated: 2014-04-23. Review status: criteria provided, single submitter. Criteria: LMM Criteria. Collection method: clinical testing. Allele origin: germline. Inheritance: Autosomal dominant inheritance. Observed: 2 variant alleles.
Comment: It was absent from large population studies. This variant occurs i n the invariant region (+/- 1,2) of the splice consensus sequence and is predict ed to cause altered splicing leading to an abnormal or absent protein. Mouse mod els have shown that loss of function of the VCL gene can lead to DCM (Zemljic-Ha rpf 2007). In summary, although additional studies are required to fully establi sh its clinical significance, the predicted impact of the 1544-2A>G variant supp ort that it is likely pathogenic although the mode of inheritance is currently u nknown.

NM_014000.3(VCL):c.1544-2A>G

Gene: VCL (vinculin; plus strand). Cytogenetic location: 10q22.2.
Variant type: single nucleotide variant.
Coding change: c.1544-2A>G on transcript NM_014000.3 (MANE Select); the canonical splice acceptor site of the intron before coding-DNA position 1544, A replaced by G.
Molecular consequence: splice acceptor variant.
Genome position (GRCh38, 1-based): chr10:74,095,654, A>G. VCF-style: chr10-74095654-A-G. GRCh37 (hg19) VCF-style: chr10-75855412-A-G.
Other names: c.1544-2A>G (NM_003373.4).
Identifiers: ClinVar variation 166546 (VCV000166546.5), dbSNP rs727503738, ClinGen allele CA273292.